The following is an entry in ClinVar:

ClinVar aggregate classification (germline): Uncertain significance (1 of 4 stars; one submission).

Submission:

Ambry Genetics
Classification: Uncertain significance. Last evaluated: 2023-10-06. Review status: criteria provided, single submitter. Criteria: Ambry Variant Classification Scheme 2023. Collection method: clinical testing. Allele origin: germline.
Comment: The p.R205H variant (also known as c.614G>A), located in coding exon 1 of the EGLN2 gene, results from a G to A substitution at nucleotide position 614. The arginine at codon 205 is replaced by histidine, an amino acid with highly similar properties. This amino acid position is conserved. In addition, this alteration is predicted to be tolerated by in silico analysis. Since supporting evidence is limited at this time, the clinical significance of this alteration remains unclear.

NM_080732.4(EGLN2):c.614G>A (p.Arg205His)

Genes: EGLN2 (egl-9 family hypoxia inducible factor 2; plus strand), RAB4B-EGLN2 (RAB4B-EGLN2 readthrough (NMD candidate); plus strand). Cytogenetic location: 19q13.2.
Variant type: single nucleotide variant.
Coding change: c.614G>A on transcript NM_080732.4 (MANE Select); coding-DNA position 614, G replaced by A.
Protein change: p.Arg205His; replaces arginine 205 with histidine.
Molecular consequence: missense variant. On other transcripts: non-coding transcript variant (1).
Genome position (GRCh38, 1-based): chr19:40,801,186, G>A. VCF-style: chr19-40801186-G-A. GRCh37 (hg19) VCF-style: chr19-41307091-G-A.
Other names: c.614G>A, p.Arg205His (NM_053046.4); short protein forms R205H.
Identifiers: ClinVar variation 1751875 (VCV001751875.2), dbSNP rs905943717, ClinGen allele CA308487299.
Genomic context (GRCh38, chr19:40,801,186, plus strand): 5'-GCATGCGGTACTACGGCATCTGCGTCAAGGACAGCTTCCTGGGGGCAGCACTGGGCGGTC[G>A]CGTGCTGGCCGAGGTGGAGGCCCTCAAACGGGGTGGGCGCCTGCGAGACGGGCAGCTAGT-3'
Protein context (NP_542770.2, residues 195-215): DSFLGAALGG[Arg205His]VLAEVEALKR